The following is an entry in ClinVar:

ClinVar aggregate classification (germline): Pathogenic (1 of 4 stars; one submission).

Conditions:
Frontorhiny (FND1). Also called: FRONTONASAL MALFORMATION; Frontonasal dysplasia 1. Identifiers: Orphanet 391474, MedGen C5574965, MONDO:0007636, OMIM 136760.

Submission:

3billion
Classification: Pathogenic for Frontorhiny. Last evaluated: 2023-09-07. Review status: criteria provided, single submitter. Criteria: ACMG Guidelines, 2015. Collection method: clinical testing. Allele origin: germline. Affected: yes.
Comment: The variant is not observed in the gnomAD v2.1.1 dataset. Predicted Consequence/Location: Stop-gained (nonsense): predicted to result in a loss or disruption of normal protein function through nonsense-mediated decay (NMD) or protein truncation. Multiple pathogenic variants are reported downstream of the variant. Therefore, this variant is classified as Pathogenic according to the recommendation of ACMG/AMP guideline.

NM_006492.3(ALX3):c.553C>T (p.Gln185Ter)

Gene: ALX3 (ALX homeobox 3; minus strand). Cytogenetic location: 1p13.3.
Variant type: single nucleotide variant.
Coding change: c.553C>T on transcript NM_006492.3 (MANE Select); coding-DNA position 553, C replaced by T.
Protein change: p.Gln185Ter; replaces glutamine 185 with a stop codon.
Molecular consequence: nonsense.
Genome position (GRCh38, 1-based): chr1:110,064,628, G>A on the plus strand (C>T on the coding strand, the complement: ALX3 is on the minus strand). VCF-style: chr1-110064628-G-A. GRCh37 (hg19) VCF-style: chr1-110607250-G-A.
Other names: short protein forms Q185*.
Identifiers: ClinVar variation 3775899 (VCV003775899.1).
Genomic context (GRCh38, chr1:110,064,628, plus strand): 5'-ATCCTTGCAGTGCCCTCACCTGTACCCGGGCCTCAGTCAGGTCTGTGCGCAGGGCCAGCT[G>A]CTCCCGGGCATACACATCAGGATAGTGGGTTTTCTGGAAGACCTTCTCCAGCTCCTCCAG-3'